The following is an entry in ClinVar:

NM_000268.4(NF2):c.853T>A (p.Phe285Ile)

Gene: NF2 (NF2, moesin-ezrin-radixin like (MERLIN) tumor suppressor; plus strand). Cytogenetic location: 22q12.2.
Variant type: single nucleotide variant.
Coding change: c.853T>A on transcript NM_000268.4 (MANE Select); coding-DNA position 853, T replaced by A.
Protein change: p.Phe285Ile; replaces phenylalanine 285 with isoleucine.
Molecular consequence: missense variant. On other transcripts: non-coding transcript variant (1), intron variant (1).
Genome position (GRCh38, 1-based): chr22:29,665,032, T>A. VCF-style: chr22-29665032-T-A. GRCh37 (hg19) VCF-style: chr22-30061021-T-A.
Other names: c.739T>A, p.Phe247Ile (NM_001407053.1, NM_001407056.1); c.730T>A, p.Phe244Ile (NM_001407054.1, NM_001407058.1, NM_181829.3); c.727T>A, p.Phe243Ile (NM_001407055.1, NM_181828.3); c.718T>A, p.Phe240Ile (NM_001407057.1, NM_001407059.1); c.853T>A, p.Phe285Ile (NM_001407060.1, NM_001407066.1, NM_016418.5 and 2 more transcripts); c.595T>A, p.Phe199Ile (NM_001407062.1); c.604T>A, p.Phe202Ile (NM_001407063.1, NM_001407064.1, NM_181830.3 and 1 more transcripts); c.319T>A, p.Phe107Ile (NM_001407065.1); and 2 more; short protein forms F202I, F208I, F244I, F285I, F199I, F240I, F247I, F107I.
Identifiers: ClinVar variation 3299438 (VCV003299438.1).
Genomic context (GRCh38, chr22:29,665,032, plus strand): 5'-TCTGCTTCATTCTTCCAGTTTACTATTAAACCACTGGATAAGAAAATTGATGTCTTCAAG[T>A]TTAACTCCTCAAAGCTTCGTGTTAATAAGCTGGTAAGTTGAGATCCTGGTTTTCATTACT-3'
Protein context (NP_000259.1, residues 275-295): PLDKKIDVFK[Phe285Ile]NSSKLRVNKL

ClinVar aggregate classification (germline): Uncertain significance (1 of 4 stars; one submission).

Conditions:
Hereditary cancer-predisposing syndrome. Also called: Tumor predisposition; Hereditary Cancer Syndrome; Hereditary neoplastic syndrome; Neoplastic Syndromes, Hereditary. Identifiers: Orphanet 140162, MedGen C0027672, MeSH D009386, MONDO:0015356.

Submission:

Ambry Genetics
Classification: Uncertain significance for Hereditary cancer-predisposing syndrome. Last evaluated: 2024-05-23. Review status: criteria provided, single submitter. Criteria: Ambry Variant Classification Scheme 2023. Collection method: clinical testing. Allele origin: germline.
Comment: The p.F285I variant (also known as c.853T>A), located in coding exon 9 of the NF2 gene, results from a T to A substitution at nucleotide position 853. The phenylalanine at codon 285 is replaced by isoleucine, an amino acid with highly similar properties. This amino acid position is conserved. In addition, this alteration is predicted to be deleterious by in silico analysis. Based on the available evidence, the clinical significance of this variant remains unclear.